The following is an entry in ClinVar:

ClinVar aggregate classification (germline): Pathogenic (1 of 4 stars; one submission).

Conditions:
Desmin-related myofibrillar myopathy (MFM1). Also called: Desminopathy; Desmin related myopathy (former name); Desmin storage myopathy (former name); MYOFIBRILLAR MYOPATHY WITH ARRHYTHMOGENIC RIGHT VENTRICULAR CARDIOMYOPATHY; DESMIN-RELATED MYOPATHY WITH ARRHYTHMOGENIC RIGHT VENTRICULAR CARDIOMYOPATHY; Myofibrillar myopathy 1. Identifiers: Orphanet 363543, Orphanet 98909, MedGen C1832370, MONDO:0011076, OMIM 601419.

Submission:

Labcorp Genetics (formerly Invitae), Labcorp
Classification: Pathogenic for Desmin-related myofibrillar myopathy. Last evaluated: 2025-01-20. Review status: criteria provided, single submitter. Criteria: Invitae Variant Classification Sherloc (09022015). Collection method: clinical testing. Allele origin: germline.
Comment: This sequence change creates a premature translational stop signal (p.Leu190Cysfs*12) in the DES gene. It is expected to result in an absent or disrupted protein product. Loss-of-function variants in DES are known to be pathogenic (PMID: 23575897). This variant is not present in population databases (gnomAD no frequency). This variant has not been reported in the literature in individuals affected with DES-related conditions. For these reasons, this variant has been classified as Pathogenic.

Literature cited by the submitters: PubMed 23575897.

NM_001927.4(DES):c.566_567insCT (p.Leu190fs)

Gene: DES (desmin; plus strand). Cytogenetic location: 2q35.
Variant type: Insertion.
Coding change: c.566_567insCT on transcript NM_001927.4 (MANE Select); coding-DNA positions 566 to 567, CT inserted.
Protein change: p.Leu190fs; shifts the reading frame from leucine 190.
Molecular consequence: frameshift variant. On other transcripts: intron variant (1).
Genome position: GRCh38 VCF-style: chr2-219419028-G-GCT. GRCh37 (hg19) VCF-style: chr2-220283750-G-GCT.
Other names: c.566_567insCT, p.Leu190fs (NM_001382708.1, NM_001382709.1, NM_001382710.1 and 2 more transcripts); c.495+71_495+72insCT (NM_001382713.1); short protein forms L190fs.
Identifiers: ClinVar variation 3760790 (VCV003760790.2).